The following is an entry in ClinVar:

NM_002497.4(NEK2):c.1117C>T (p.Leu373Phe)

Gene: NEK2 (NIMA related kinase 2; minus strand). Cytogenetic location: 1q32.3.
Variant type: single nucleotide variant.
Coding change: c.1117C>T on transcript NM_002497.4 (MANE Select); coding-DNA position 1117, C replaced by T.
Protein change: p.Leu373Phe; replaces leucine 373 with phenylalanine.
Molecular consequence: missense variant. On other transcripts: intron variant (1).
Genome position (GRCh38, 1-based): chr1:211,663,647, G>A on the plus strand (C>T on the coding strand, the complement: NEK2 is on the minus strand). VCF-style: chr1-211663647-G-A. GRCh37 (hg19) VCF-style: chr1-211836989-G-A.
Other names: c.1111+3459C>T (NM_001204182.2); short protein forms L373F.
Identifiers: ClinVar variation 2787380 (VCV002787380.3), dbSNP rs1369684505, ClinGen allele CA344774112.

ClinVar aggregate classification (germline): Uncertain significance (1 of 4 stars; one submission).

Allele frequency attached by ClinVar (database versions not stated): gnomAD 0.00001; TOPMed 0.00001.

Submission:

Labcorp Genetics (formerly Invitae), Labcorp
Classification: Uncertain significance. Last evaluated: 2023-07-10. Review status: criteria provided, single submitter. Criteria: Invitae Variant Classification Sherloc (09022015). Collection method: clinical testing. Allele origin: germline.
Comment: This sequence change replaces leucine, which is neutral and non-polar, with phenylalanine, which is neutral and non-polar, at codon 373 of the NEK2 protein (p.Leu373Phe). In summary, the available evidence is currently insufficient to determine the role of this variant in disease. Therefore, it has been classified as a Variant of Uncertain Significance. Algorithms developed to predict the effect of missense changes on protein structure and function output the following: SIFT: "Not Available"; PolyPhen-2: "Benign"; Align-GVGD: "Not Available". The phenylalanine amino acid residue is found in multiple mammalian species, which suggests that this missense change does not adversely affect protein function. This variant has not been reported in the literature in individuals affected with NEK2-related conditions. This variant is not present in population databases (gnomAD no frequency).